The following is an entry in ClinVar:

NM_001199397.3(NEK1):c.3714+1G>T

Gene: NEK1 (NIMA related kinase 1; minus strand). Cytogenetic location: 4q33.
Variant type: single nucleotide variant.
Coding change: c.3714+1G>T on transcript NM_001199397.3 (MANE Select); the canonical splice donor site of the intron after coding-DNA position 3714, G replaced by T.
Molecular consequence: splice donor variant.
Genome position (GRCh38, 1-based): chr4:169,400,520, C>A on the plus strand (G>T on the coding strand, the complement: NEK1 is on the minus strand). VCF-style: chr4-169400520-C-A. GRCh37 (hg19) VCF-style: chr4-170321671-C-A.
Other names: c.2877+1G>T (NM_001440625.1); c.3009+1G>T (NM_001440624.1); c.3231+1G>T (NM_001374421.1); c.3579+1G>T (NM_001374420.1); c.3423+1G>T (NM_001199399.3); c.3321+1G>T (NM_001440623.1); c.3405+1G>T (NM_001440622.1); c.3582+1G>T (NM_001199398.3); and 5 more.
Identifiers: ClinVar variation 4849563 (VCV004849563.1).

ClinVar aggregate classification (germline): Likely pathogenic (1 of 4 stars; one submission).

Conditions:
Amyotrophic lateral sclerosis type 1 (ALS1). Also called: AMYOTROPHIC LATERAL SCLEROSIS 1, FAMILIAL. Identifiers: Orphanet 803, MedGen C1862939, MONDO:0007103, OMIM 105400.

gnomAD v4.1: 1 of 1,596,388 alleles (0.000063%); highest among the groups gnomAD compares: East Asian, 0.0022%; no homozygotes.

Submission:

Department of Traditional Chinese Medicine, Fujian Provincial Hospital
Classification: Likely pathogenic for Amyotrophic lateral sclerosis type 1. Review status: criteria provided, single submitter. Criteria: ACMG Guidelines, 2015. Collection method: research. Allele origin: inherited. Affected: yes.
Comment: Whole-exome sequencing (WES) identified a heterozygous splice-site variant in the NEK1 gene: c.3714+1G>T. ACMG Classification and Pathogenicity: This variant has a frequency of 0 in East Asian population databases (PM2_Supporting) and is a canonical splice-site variant. Transcript-level validation (RT-qPCR and minigene assays) confirmed that this variant leads to reduced mRNA expression and aberrant splicing (a 131-bp exon deletion), fulfilling the PVS1_Strong criterion. Combined with pedigree co-segregation evidence, the variant is classified as "Likely Pathogenic".